The following is an entry in ClinVar:

NM_003590.5(CUL3):c.1374_1377dup (p.Thr460fs)

Gene: CUL3 (cullin 3; minus strand). Cytogenetic location: 2q36.2.
Variant type: Duplication.
Coding change: c.1374_1377dup on transcript NM_003590.5 (MANE Select); coding-DNA positions 1374 to 1377, 4 bases duplicated (AAAG; older notation c.1374_1377dupAAAG).
Protein change: p.Thr460fs; shifts the reading frame from threonine 460.
Molecular consequence: frameshift variant.
Genome position (GRCh38, 1-based): chr2:224,503,652-224,503,655, CTTT duplicated on the plus strand (AAAG on the coding strand, the reverse complement: CUL3 is on the minus strand). VCF-style (leftmost placement, unchanged base first): chr2-224503651-C-CCTTT. GRCh37 (hg19) VCF-style: chr2-225368368-C-CCTTT.
Other names: c.1176_1179dup, p.Thr394fs (NM_001257197.2); c.1392_1395dup, p.Thr466fs (NM_001257198.2); short protein forms T394fs, T460fs, T466fs.
Identifiers: ClinVar variation 3340098 (VCV003340098.1).

ClinVar aggregate classification (germline): Likely pathogenic (1 of 4 stars; one submission).

Conditions:
Neurodevelopmental disorder with or without autism or seizures (NEDAUS). Identifiers: MedGen C5543225, MONDO:0030994, OMIM 619239.

Submission:

Pediatric/Medical Genetics, Ministry of Health, Qatif Central Hospital
Classification: Likely pathogenic for Neurodevelopmental disorder with or without autism or seizures. Review status: criteria provided, single submitter. Criteria: ACMG Guidelines, 2015. Collection method: clinical testing. Allele origin: germline. Inheritance: Autosomal dominant inheritance. Affected: yes.
Comment: The CUL3 variant c.1392_1395dupAAAG p.(Thr466fs) creates a shift in the reading frame starting at codon 466 in exon(s) no. 9 (of 16). To the best of our knowledge, this is a novel variant not previously reported in the literature. It is classified as likely pathogenic based on ACMG/AMP/ClinGen SVI guidelines.